The following is an entry in ClinVar:

NM_017757.3(ZNF407):c.*6G>A

Gene: ZNF407 (zinc finger protein 407; plus strand). Cytogenetic location: 18q22.3.
Variant type: single nucleotide variant.
Coding change: c.*6G>A on transcript NM_017757.3 (MANE Select); 6 bases downstream of the stop codon, G replaced by A.
Molecular consequence: 3 prime UTR variant.
Genome position (GRCh38, 1-based): chr18:75,064,474, G>A. VCF-style: chr18-75064474-G-A. GRCh37 (hg19) VCF-style: chr18-72776430-G-A.
Other names: c.*6G>A (NM_001384475.1).
Identifiers: ClinVar variation 4979005 (VCV004979005.1).

ClinVar aggregate classification (germline): Likely benign (1 of 4 stars; one submission).

Conditions:
ZNF407-related disorder. Also called: ZNF407-related condition.

gnomAD v4.1: 76 of 1,473,914 alleles (0.0052%); highest among the groups gnomAD compares: Admixed American, 0.042%; 1 homozygote.

Submission:

PreventionGenetics, part of Exact Sciences
Classification: Likely benign for ZNF407-related condition. Last evaluated: 2024-11-27. Review status: criteria provided, single submitter. Criteria: ACMG Guidelines, 2015. Collection method: clinical testing. Allele origin: germline.
Comment: This variant is classified as likely benign based on ACMG/AMP sequence variant interpretation guidelines (Richards et al. 2015 PMID: 25741868, with internal and published modifications).